The following is an entry in ClinVar:

ClinVar aggregate classification (germline): Pathogenic (1 of 4 stars; one submission).

Conditions:
Hereditary cancer-predisposing syndrome. Also called: Hereditary Cancer Syndrome; Hereditary neoplastic syndrome; Neoplastic Syndromes, Hereditary; Tumor predisposition. Identifiers: Orphanet 140162, MedGen C0027672, MeSH D009386, MONDO:0015356.

Submission:

Ambry Genetics
Classification: Pathogenic for Hereditary cancer-predisposing syndrome. Last evaluated: 2020-10-22. Review status: criteria provided, single submitter. Criteria: Ambry Variant Classification Scheme 2023. Collection method: clinical testing. Allele origin: germline.
Comment: The c.4736_4743dupCATGTGAG pathogenic mutation, located in coding exon 10 of the BRCA2 gene, results from a duplication of CATGTGAG at nucleotide position 4736, causing a translational frameshift with a predicted alternate stop codon (p.T1582Hfs*38). This alteration is expected to result in loss of function by premature protein truncation or nonsense-mediated mRNA decay. As such, this alteration is interpreted as a disease-causing mutation.

NM_000059.4(BRCA2):c.4736_4743dup (p.Thr1582fs)

Gene: BRCA2 (BRCA2 DNA repair associated; plus strand). Cytogenetic location: 13q13.1.
Variant type: Duplication.
Coding change: c.4736_4743dup on transcript NM_000059.4 (MANE Select); coding-DNA positions 4736 to 4743, 8 bases duplicated (CATGTGAG; older notation c.4736_4743dupCATGTGAG).
Protein change: p.Thr1582fs; shifts the reading frame from threonine 1582.
Molecular consequence: frameshift variant.
Genome position (GRCh38, 1-based): chr13:32,339,091-32,339,098, CATGTGAG duplicated; duplicating any 8 consecutive bases within chr13:32,339,089-32,339,098 gives the same sequence; the c. name uses the placement nearest the transcript's 3' end. VCF-style (leftmost placement, unchanged base first): chr13-32339088-T-TAGCATGTG. GRCh37 (hg19) VCF-style: chr13-32913225-T-TAGCATGTG.
Other names: c.4736_4743dup, p.Thr1582Hisfs (NM_001406719.1, NM_001406720.1); c.4736_4743dupCATGTGAG (NM_000059.3); short protein forms T1582fs.
Identifiers: ClinVar variation 1742743 (VCV001742743.2), dbSNP rs2548529235, ClinGen allele CA2580087305.